The following is an entry in ClinVar:

ClinVar aggregate classification (germline): Uncertain significance (1 of 4 stars; one submission).

Conditions:
Amyotrophic lateral sclerosis type 4 (ALS4). Also called: AMYOTROPHIC LATERAL SCLEROSIS 4, JUVENILE; NEURONOPATHY, DISTAL HEREDITARY MOTOR, WITH PYRAMIDAL FEATURES. Identifiers: Orphanet 357043, MedGen C1865409, MONDO:0011223, OMIM 602433.

Allele frequency attached by ClinVar (database versions not stated): gnomAD exomes below 0.00001.
gnomAD v4.1: 2 of 1,614,096 alleles (0.00012%); highest among the groups gnomAD compares: East Asian, 0.0045%; no homozygotes.

Submission:

MGZ Medical Genetics Center
Classification: Uncertain significance for Amyotrophic lateral sclerosis type 4. Last evaluated: 2021-11-30. Review status: criteria provided, single submitter. Criteria: ACMG Guidelines, 2015. Collection method: clinical testing. Allele origin: germline. Affected: yes. Observed: 1 variant allele.
Comment: ACMG criteria applied: PS2_MOD, PM2_SUP

NM_015046.7(SETX):c.5693G>A (p.Ser1898Asn)

Gene: SETX (senataxin; minus strand). Cytogenetic location: 9q34.13.
Variant type: single nucleotide variant.
Coding change: c.5693G>A on transcript NM_015046.7 (MANE Select); coding-DNA position 5693, G replaced by A.
Protein change: p.Ser1898Asn; replaces serine 1898 with asparagine.
Molecular consequence: missense variant.
Genome position (GRCh38, 1-based): chr9:132,298,168, C>T on the plus strand (G>A on the coding strand, the complement: SETX is on the minus strand). VCF-style: chr9-132298168-C-T. GRCh37 (hg19) VCF-style: chr9-135173555-C-T.
Other names: c.5693G>A, p.Ser1898Asn (NM_001351527.2, NM_001351528.2); short protein forms S1898N.
Identifiers: ClinVar variation 1709427 (VCV001709427.2), dbSNP rs1232717742, ClinGen allele CA375346172.
Genomic context (GRCh38, chr9:132,298,168, plus strand): 5'-TCTTTTGTACAGAAGTCCATAGGGTTTGGATTCAGAACAGCTCTAGCCAGTTGGTTCCGA[C>T]TACCCAACAGAGACATGGCTTTCAACTTCCTTTGTGTAGTTACCAGAGAACTGATTACAA-3'
Protein context (NP_055861.3, residues 1888-1908): RKLKAMSLLG[Ser1898Asn]RNQLARAVLN